The following is an entry in ClinVar:

NM_015021.3(ZNF292):c.4896G>A (p.Lys1632=)

Gene: ZNF292 (zinc finger protein 292; plus strand). Cytogenetic location: 6q14.3.
Variant type: single nucleotide variant.
Coding change: c.4896G>A on transcript NM_015021.3 (MANE Select); coding-DNA position 4896, G replaced by A.
Protein change: p.Lys1632=; no amino-acid change (lysine 1632 retained).
Molecular consequence: synonymous variant.
Genome position (GRCh38, 1-based): chr6:87,258,525, G>A. VCF-style: chr6-87258525-G-A. GRCh37 (hg19) VCF-style: chr6-87968243-G-A.
Other names: c.4476G>A, p.Lys1492= (NM_001351444.2).
Identifiers: ClinVar variation 3024962 (VCV003024962.23), dbSNP rs114815908, ClinGen allele CA3914383.

ClinVar aggregate classification (germline): Likely benign. Review status: criteria provided, multiple submitters, no conflicts (2 of 4 stars). 2 submissions from 2 submitters: Likely benign (2). Last evaluated 2025-09-01.

Allele frequency attached by ClinVar (database versions not stated): gnomAD exomes 0.00031; ExAC 0.00106; gnomAD 0.00367; ESP Exome Variant Server 0.00380; TOPMed 0.00390; 1000 Genomes Project 0.00559; 1000 Genomes Project 30x 0.00578.
gnomAD v4.1: 1,027 of 1,613,638 alleles (0.064%); highest among the groups gnomAD compares: African/African-American, 1.2%; 3 homozygotes.

Submissions (2):

CeGaT Center for Human Genetics Tuebingen
Classification: Likely benign. Last evaluated: 2025-09-01. Review status: criteria provided, single submitter. Criteria: CeGaT Center For Human Genetics Tuebingen Variant Classification Criteria Version 2. Collection method: clinical testing. Allele origin: germline. Affected: yes. Observed: 3 variant alleles.
Comment: ZNF292: BP4, BS1

Blueprint Genetics
Classification: Likely benign. Last evaluated: 2024-11-12. Review status: criteria provided, single submitter. Criteria: ACMG Guidelines, 2015. Collection method: clinical testing. Allele origin: germline.